The following is an entry in ClinVar:

NM_000535.7(PMS2):c.313G>C (p.Gly105Arg)

Gene: PMS2 (PMS1 homolog 2, mismatch repair system component; minus strand). Cytogenetic location: 7p22.1.
Variant type: single nucleotide variant.
Coding change: c.313G>C on transcript NM_000535.7 (MANE Select); coding-DNA position 313, G replaced by C.
Protein change: p.Gly105Arg; replaces glycine 105 with arginine.
Molecular consequence: missense variant. On other transcripts: 5 prime UTR variant (9), non-coding transcript variant (1), intron variant (2).
Genome position (GRCh38, 1-based): chr7:6,003,730, C>G on the plus strand (G>C on the coding strand, the complement: PMS2 is on the minus strand). VCF-style: chr7-6003730-C-G. GRCh37 (hg19) VCF-style: chr7-6043361-C-G.
Other names: c.-93G>C (NM_001322003.2, NM_001322004.2, NM_001322005.2 and 3 more transcripts); c.313G>C, p.Gly105Arg (NM_001322006.2, NM_001322014.2); c.-572G>C (NM_001322011.2, NM_001322012.2); c.-172G>C (NM_001322015.2); c.35+242G>C (NM_001322008.2, NM_001322007.2); short protein forms G105R.
Identifiers: ClinVar variation 573305 (VCV000573305.12), dbSNP rs1554304666, ClinGen allele CA366744599.

ClinVar aggregate classification (germline): Uncertain significance. Review status: criteria provided, multiple submitters, no conflicts (2 of 4 stars). 2 submissions from 2 submitters: Uncertain significance (2). Last evaluated 2026-08-18.

Conditions:
Hereditary cancer-predisposing syndrome. Also called: Neoplastic Syndromes, Hereditary; Hereditary Cancer Syndrome; Hereditary neoplastic syndrome; Tumor predisposition. Identifiers: Orphanet 140162, MedGen C0027672, MeSH D009386, MONDO:0015356.
Hereditary nonpolyposis colorectal neoplasms. Identifiers: MedGen C0009405, MeSH D003123.

Submissions (2):

Ambry Genetics
Classification: Uncertain significance for Hereditary cancer-predisposing syndrome. Last evaluated: 2026-08-18. Review status: criteria provided, single submitter. Criteria: Ambry Variant Classification Scheme 2023. Collection method: clinical testing. Allele origin: germline.
Comment: The p.G105R variant (also known as c.313G>C), located in coding exon 4 of the PMS2 gene, results from a G to C substitution at nucleotide position 313. The glycine at codon 105 is replaced by arginine, an amino acid with dissimilar properties. This amino acid position is highly conserved in available vertebrate species. In addition, this alteration is predicted to be deleterious by in silico analysis. Based on the available evidence, the clinical significance of this variant remains unclear.

Labcorp Genetics (formerly Invitae), Labcorp
Classification: Uncertain significance for Hereditary nonpolyposis colorectal neoplasms. Last evaluated: 2018-05-19. Review status: criteria provided, single submitter. Criteria: Invitae Variant Classification Sherloc (09022015). Collection method: clinical testing. Allele origin: germline.
Comment: In summary, the available evidence is currently insufficient to determine the role of this variant in disease. Therefore, it has been classified as a Variant of Uncertain Significance. Algorithms developed to predict the effect of missense changes on protein structure and function (SIFT, PolyPhen-2, Align-GVGD) all suggest that this variant is likely to be disruptive, but these predictions have not been confirmed by published functional studies and their clinical significance is uncertain. This variant has not been reported in the literature in individuals with PMS2-related disease. This variant is not present in population databases (ExAC no frequency). This sequence change replaces glycine with arginine at codon 105 of the PMS2 protein (p.Gly105Arg). The glycine residue is highly conserved and there is a moderate physicochemical difference between glycine and arginine.